The following is an entry in ClinVar:

NM_000421.5(KRT10):c.467G>T (p.Arg156Leu)

Genes: KRT10 (keratin 10; minus strand), KRT10-AS1 (KRT10 antisense RNA 1; plus strand). Cytogenetic location: 17q21.2.
Variant type: single nucleotide variant.
Coding change: c.467G>T on transcript NM_000421.5 (MANE Select); coding-DNA position 467, G replaced by T.
Protein change: p.Arg156Leu; replaces arginine 156 with leucine.
Molecular consequence: missense variant.
Genome position (GRCh38, 1-based): chr17:40,822,119, C>A on the plus strand (G>T on the coding strand, the complement: KRT10 is on the minus strand). VCF-style: chr17-40822119-C-A. GRCh37 (hg19) VCF-style: chr17-38978371-C-A.
Other names: R10L; c.467G>T, p.Arg156Leu (NM_001379366.1); short protein forms R156L.
Identifiers: ClinVar variation 66176 (VCV000066176.6), dbSNP rs58075662, ClinGen allele CA216594.

ClinVar aggregate classification (germline): Uncertain significance. Review status: criteria provided, single submitter (1 of 4 stars). 3 submissions from 3 submitters: Uncertain significance (1). 2 of the submissions do not count toward it. Last evaluated 2024-04-10.

Conditions:
Epidermolytic hyperkeratosis 2A, autosomal dominant (EHK2A). Identifiers: MedGen C5882671, MONDO:0700248, OMIM 620150.

Submissions (3):

Labcorp Genetics (formerly Invitae), Labcorp
Classification: Uncertain significance. Last evaluated: 2024-04-10. Review status: criteria provided, single submitter. Criteria: Invitae Variant Classification Sherloc (09022015). Collection method: clinical testing. Allele origin: germline.
Comment: This sequence change replaces arginine, which is basic and polar, with leucine, which is neutral and non-polar, at codon 156 of the KRT10 protein (p.Arg156Leu). This variant is not present in population databases (gnomAD no frequency). This missense change has been observed in individuals with autosomal dominant KRT10-related conditions (PMID: 7507152, 7509230; Invitae). ClinVar contains an entry for this variant (Variation ID: 66176). Advanced modeling of protein sequence and biophysical properties (such as structural, functional, and spatial information, amino acid conservation, physicochemical variation, residue mobility, and thermodynamic stability) has been performed at Invitae for this missense variant, however the output from this modeling did not meet the statistical confidence thresholds required to predict the impact of this variant on KRT10 protein function. This variant disrupts the p.Arg156 amino acid residue in KRT10. Other variant(s) that disrupt this residue have been determined to be pathogenic (PMID: 21271994, 22930352, 28532675). This suggests that this residue is clinically significant, and that variants that disrupt this residue are likely to be disease-causing. In summary, the available evidence is currently insufficient to determine the role of this variant in disease. Therefore, it has been classified as a Variant of Uncertain Significance.

OMIM
Classification: Pathogenic for EPIDERMOLYTIC HYPERKERATOSIS 2A, AUTOSOMAL DOMINANT. Last evaluated: 1993-12-01. Review status: no assertion criteria provided. Collection method: literature only. Allele origin: germline. Not counted in ClinVar's aggregate classification.

Epithelial Biology;  Institute of Medical Biology, Singapore
No classification provided. Review status: no classification provided. Collection method: not provided. Allele origin: not provided. Not counted in ClinVar's aggregate classification.

Literature cited by the submitters: PubMed 7507152 (cited by Labcorp Genetics (formerly Invitae), Labcorp); PubMed 7509230 (cited by Labcorp Genetics (formerly Invitae), Labcorp and OMIM); PubMed 21271994 (cited by Labcorp Genetics (formerly Invitae), Labcorp); PubMed 22930352 (cited by Labcorp Genetics (formerly Invitae), Labcorp); PubMed 28532675 (cited by Labcorp Genetics (formerly Invitae), Labcorp).